The following is an entry in ClinVar:

ClinVar aggregate classification (germline): Pathogenic. Review status: criteria provided, multiple submitters, no conflicts (2 of 4 stars). 6 submissions from 6 submitters: Pathogenic (5). 1 of the submissions does not count toward it. Last evaluated 2026-01-05.

Conditions:
Hereditary hemorrhagic telangiectasia (HHT). Also called: ORW DISEASE; Osler Weber Rendu syndrome; OSLER-RENDU-WEBER DISEASE; Osler hemorrhagic telangiectasia syndrome. Identifiers: Orphanet 774, MedGen C0039445, MONDO:0019180. Disease mechanism: loss of function.
Cardiovascular phenotype. Identifiers: MedGen CN230736.
ENG-related disorder. Also called: ENG-related condition; ENG-related disorders.
Telangiectasia, hereditary hemorrhagic, type 1 (HHT1). Also called: Osler Weber Rendu syndrome type 1; ENG-Related Hereditary Hemorrhagic Telangiectasia. Identifiers: Orphanet 774, MedGen C4551861, MONDO:0008535, OMIM 187300. Disease mechanism: loss of function.

Allele frequency attached by ClinVar (database versions not stated): gnomAD 0.00001; TOPMed below 0.00001.

Submissions (6):

Labcorp Genetics (formerly Invitae), Labcorp
Classification: Pathogenic for Hereditary hemorrhagic telangiectasia. Last evaluated: 2026-01-05. Review status: criteria provided, single submitter. Criteria: Invitae Variant Classification Sherloc (09022015). Collection method: clinical testing. Allele origin: germline.
Comment: This sequence change affects an acceptor splice site in intron 4 of the ENG gene. It is expected to disrupt RNA splicing. Variants that disrupt the donor or acceptor splice site typically lead to a loss of protein function (PMID: 16199547), and loss-of-function variants in ENG are known to be pathogenic (PMID: 15879500). This variant is not present in population databases (gnomAD no frequency). Disruption of this splice site has been observed in individuals with hemorrhagic telangiectasia (PMID: 8162075, 9554745, 21158752). It has also been observed to segregate with disease in related individuals. ClinVar contains an entry for this variant (Variation ID: 407119). Algorithms developed to predict the effect of sequence changes on RNA splicing suggest that this variant may disrupt the consensus splice site. For these reasons, this variant has been classified as Pathogenic.

ARUP Laboratories, Molecular Genetics and Genomics, ARUP Laboratories
Classification: Pathogenic for Telangiectasia, hereditary hemorrhagic, type 1. Last evaluated: 2025-04-09. Review status: criteria provided, single submitter. Criteria: ARUP Molecular Germline Variant Investigation Process 2024. Collection method: clinical testing. Allele origin: germline.
Comment: The ENG c.524-2A>G variant (rs1060501414) is reported in the literature in multiple individuals affected with hemorrhagic telangiectasia (Gallione 1998, Bayrak-Toydemir 2006, Gedge 2007, McDonald 2011, McDonald 2020). This variant is also reported in ClinVar (Variation ID: 407119). This variant is absent from the Genome Aggregation Database, indicating it is not a common polymorphism. This variant disrupts the canonical splice acceptor site of intron four, which is likely to negatively impact gene function. Based on available information, this variant is considered to be pathogenic. References: Bayrak-Toydemir P et al. Genotype-phenotype correlation in hereditary hemorrhagic telangiectasia: mutations and manifestations. Am J Med Genet A. 2006 Mar 1;140(5):463-70. PMID: 16470787. Gallione CJ et al. Mutation and expression analysis of the endoglin gene in hereditary hemorrhagic telangiectasia reveals null alleles. Hum Mutat. 1998;11(4):286-94. PMID: 9554745. Gedge F et al. Clinical and analytical sensitivities in hereditary hemorrhagic telangiectasia testing and a report of de novo mutations. J Mol Diagn. 2007 Apr;9(2):258-65. PMID: 17384219. McDonald J et al. Molecular diagnosis in hereditary hemorrhagic telangiectasia: findings in a series tested simultaneously by sequencing and deletion/duplication analysis. Clin Genet. 2011 Apr;79(4):335-44. PMID: 21158752. McDonald J et al. CuraÃ§ao diagnostic criteria for hereditary hemorrhagic telangiectasia is highly predictive of a pathogenic variant in ENG or ACVRL1 (HHT1 and HHT2). Genet Med. 2020 Jul;22(7):1201-1205. PMID: 32300199.

Ambry Genetics
Classification: Pathogenic for Cardiovascular phenotype. Last evaluated: 2024-06-17. Review status: criteria provided, single submitter. Criteria: Ambry Variant Classification Scheme 2023. Collection method: clinical testing. Allele origin: germline.
Comment: The c.524-2A>G intronic pathogenic mutation results from an A to G substitution two nucleotides upstream from coding exon 5 in the ENG gene. This alteration was first was described in a family with hereditary hemorrhagic telangiectasia (HHT) and reportedly segregated with disease (Gallione CJ et al. Hum. Mutat., 1998;11:286-94). This alteration was also described in two unrelated individuals with a clinical diagnosis of HHT (Gedge F et al. J Mol Diagn, 2007 Apr;9:258-65). This variant is considered to be rare based on population cohorts in the Genome Aggregation Database (gnomAD). In addition to the clinical data presented in the literature, alterations that disrupt the canonical splice site are expected to cause aberrant splicing, resulting in an abnormal protein or a transcript that is subject to nonsense-mediated mRNA decay. As such, this alteration is classified as a disease-causing mutation.

GeneDx
Classification: Pathogenic. Last evaluated: 2023-03-29. Review status: criteria provided, single submitter. Criteria: GeneDx Variant Classification Process June 2021. Collection method: clinical testing. Allele origin: germline. Affected: yes.
Comment: Canonical splice site variant predicted to result in a null allele in a gene for which loss of function is a known mechanism of disease; Not observed at significant frequency in large population cohorts (gnomAD); This variant is associated with the following publications: (PMID: 22385575, 8162075, 21158752, 15879500, 20656886, 9554745, 32300199, 17384219)

Mayo Clinic Laboratories, Mayo Clinic
Classification: Pathogenic. Last evaluated: 2021-03-31. Review status: criteria provided, single submitter. Criteria: ACMG Guidelines, 2015. Collection method: clinical testing. Allele origin: germline.
Comment: PVS1, PM2, PP1_strong

PreventionGenetics, part of Exact Sciences
Classification: Pathogenic for ENG-related condition. Last evaluated: 2024-04-15. Review status: no assertion criteria provided. Collection method: clinical testing. Allele origin: germline. Not counted in ClinVar's aggregate classification.
Comment: The ENG c.524-2A>G variant is predicted to disrupt the AG splice acceptor site and interfere with normal splicing. This variant has been reported in multiple individuals with hereditary hemorrhagic telangiectasia (HHT) (Gallione et al. 1998. PubMed ID: 9554745; Table S1, McDonald et al. 2020. PubMed ID: 32300199; Gedge et al. 2007. PubMed ID: 17384219). This variant has not been reported in a large population database, indicating this variant is rare. Variants that disrupt the consensus splice acceptor site in ENG are expected to be pathogenic. This variant is interpreted as pathogenic.

Literature cited by the submitters: PubMed 16199547 (cited by Labcorp Genetics (formerly Invitae), Labcorp); PubMed 15879500 (cited by Labcorp Genetics (formerly Invitae), Labcorp); PubMed 8162075 (cited by Labcorp Genetics (formerly Invitae), Labcorp and Mayo Clinic Laboratories, Mayo Clinic); PubMed 9554745 (cited by 3 submitters); PubMed 21158752 (cited by Labcorp Genetics (formerly Invitae), Labcorp and Mayo Clinic Laboratories, Mayo Clinic); PubMed 17384219 (cited by Ambry Genetics and Mayo Clinic Laboratories, Mayo Clinic); PubMed 16470787 (cited by Mayo Clinic Laboratories, Mayo Clinic); PubMed 32300199 (cited by Mayo Clinic Laboratories, Mayo Clinic).

NM_001114753.3(ENG):c.524-2A>G

Gene: ENG (endoglin; minus strand). Cytogenetic location: 9q34.11.
Variant type: single nucleotide variant.
Coding change: c.524-2A>G on transcript NM_001114753.3 (MANE Select); the canonical splice acceptor site of the intron before coding-DNA position 524, A replaced by G.
Molecular consequence: splice acceptor variant.
Genome position (GRCh38, 1-based): chr9:127,825,862, T>C on the plus strand (A>G on the coding strand, the complement: ENG is on the minus strand). VCF-style: chr9-127825862-T-C. GRCh37 (hg19) VCF-style: chr9-130588141-T-C.
Other names: c.524-2A>G (NM_001114753.1, NM_000118.4, NM_001406715.1); c.-23-2A>G (NM_001278138.2).
Identifiers: ClinVar variation 407119 (VCV000407119.33), dbSNP rs1060501414, ClinGen allele CA16612599.